The following is an entry in ClinVar:

ClinVar aggregate classification (germline): Uncertain significance. Review status: criteria provided, multiple submitters, no conflicts (2 of 4 stars). 2 submissions from 2 submitters: Uncertain significance (2). Last evaluated 2025-08-22.

Conditions:
Inborn genetic diseases. Identifiers: MedGen C0950123, MeSH D030342.

Allele frequency attached by ClinVar (database versions not stated): gnomAD exomes below 0.00001; ExAC 0.00001.
gnomAD v4.1: 2 of 1,614,160 alleles (0.00012%); highest among the groups gnomAD compares: Non-Finnish European, 0.00017%; no homozygotes.

Submissions (2):

Ambry Genetics
Classification: Uncertain significance for Inborn genetic diseases. Last evaluated: 2025-08-22. Review status: criteria provided, single submitter. Criteria: Ambry Variant Classification Scheme 2023. Collection method: clinical testing. Allele origin: germline.
Comment: The p.L198F variant (also known as c.592C>T), located in coding exon 5 of the USB1 gene, results from a C to T substitution at nucleotide position 592. The leucine at codon 198 is replaced by phenylalanine, an amino acid with highly similar properties. This amino acid position is conserved. In addition, the in silico prediction for this alteration is inconclusive. Based on the available evidence, the clinical significance of this variant remains unclear.

Labcorp Genetics (formerly Invitae), Labcorp
Classification: Uncertain significance. Last evaluated: 2021-09-29. Review status: criteria provided, single submitter. Criteria: Invitae Variant Classification Sherloc (09022015). Collection method: clinical testing. Allele origin: germline.
Comment: In summary, the available evidence is currently insufficient to determine the role of this variant in disease. Therefore, it has been classified as a Variant of Uncertain Significance. Algorithms developed to predict the effect of missense changes on protein structure and function are either unavailable or do not agree on the potential impact of this missense change (SIFT: "Not Available"; PolyPhen-2: "Probably Damaging"; Align-GVGD: "Not Available"). This variant has not been reported in the literature in individuals affected with USB1-related conditions. This variant is present in population databases (rs765307761, ExAC 0.001%). This sequence change replaces leucine with phenylalanine at codon 198 of the USB1 protein (p.Leu198Phe). The leucine residue is highly conserved and there is a small physicochemical difference between leucine and phenylalanine.

NM_024598.4(USB1):c.592C>T (p.Leu198Phe)

Gene: USB1 (U6 snRNA biogenesis phosphodiesterase 1; plus strand). Cytogenetic location: 16q21.
Variant type: single nucleotide variant.
Coding change: c.592C>T on transcript NM_024598.4 (MANE Select); coding-DNA position 592, C replaced by T.
Protein change: p.Leu198Phe; replaces leucine 198 with phenylalanine.
Molecular consequence: missense variant.
Genome position (GRCh38, 1-based): chr16:58,017,422, C>T. VCF-style: chr16-58017422-C-T. GRCh37 (hg19) VCF-style: chr16-58051326-C-T.
Other names: c.592C>T (NM_024598.3); c.538C>T, p.Leu180Phe (NM_001195302.2); c.439C>T, p.Leu147Phe (NM_001330568.2); short protein forms L180F, L198F, L147F.
Identifiers: ClinVar variation 1351395 (VCV001351395.7), dbSNP rs765307761, ClinGen allele CA8084978.